The following is an entry in ClinVar:

ClinVar aggregate classification (germline): Uncertain significance (1 of 4 stars; one submission).

Conditions:
IFT74-related disorder. Also called: IFT74-related condition; IFT74-Related Disorders.

Submission:

PreventionGenetics, part of Exact Sciences
Classification: Uncertain significance for IFT74-related condition. Last evaluated: 2025-03-18. Review status: criteria provided, single submitter. Criteria: ACMG Guidelines, 2015. Collection method: clinical testing. Allele origin: germline.
Comment: The IFT74 c.1134_1136delAAA variant is predicted to result in an in-frame deletion (p.Lys379del). To our knowledge, this variant has not been reported in the literature or in a large population database (gnomAD), indicating this variant is rare. At this time, the clinical significance of this variant is uncertain due to the absence of conclusive functional and genetic evidence.

NM_025103.4(IFT74):c.1134_1136del (p.Lys379del)

Gene: IFT74 (intraflagellar transport 74; plus strand). Cytogenetic location: 9p21.2.
Variant type: Deletion.
Coding change: c.1134_1136del on transcript NM_025103.4 (MANE Select); coding-DNA positions 1134 to 1136, 3 bases deleted (AAA; older notation c.1134_1136delAAA).
Protein change: p.Lys379del; deletes lysine 379.
Molecular consequence: inframe deletion.
Genome position (GRCh38, 1-based): chr9:27,047,299-27,047,301, AAA deleted. VCF-style (leftmost placement, unchanged base first): chr9-27047298-CAAA-C. GRCh37 (hg19) VCF-style: chr9-27047296-CAAA-C.
Other names: c.1134_1136del, p.Lys379del (NM_001099222.3, NM_001099223.3, NM_001349928.2); short protein forms K379del.
Identifiers: ClinVar variation 4996934 (VCV004996934.1).